The following is an entry in ClinVar:

ClinVar aggregate classification (germline): Uncertain significance (1 of 4 stars; one submission).

Conditions:
Dyskeratosis congenita. Identifiers: Orphanet 1775, MedGen C0265965, MONDO:0015780.

Submission:

Ambry Genetics
Classification: Uncertain significance for Dyskeratosis congenita. Last evaluated: 2022-12-23. Review status: criteria provided, single submitter. Criteria: Ambry Variant Classification Scheme 2023. Collection method: clinical testing. Allele origin: germline.
Comment: The p.L661Q variant (also known as c.1982T>A), located in coding exon 5 of the TERT gene, results from a T to A substitution at nucleotide position 1982. The leucine at codon 661 is replaced by glutamine, an amino acid with dissimilar properties. This amino acid position is conserved. In addition, this alteration is predicted to be deleterious by in silico analysis. Since supporting evidence is limited at this time, the clinical significance of this alteration remains unclear.

NM_198253.3(TERT):c.1982T>A (p.Leu661Gln)

Gene: TERT (telomerase reverse transcriptase; minus strand). Cytogenetic location: 5p15.33.
Variant type: single nucleotide variant.
Coding change: c.1982T>A on transcript NM_198253.3 (MANE Select); coding-DNA position 1982, T replaced by A.
Protein change: p.Leu661Gln; replaces leucine 661 with glutamine.
Molecular consequence: missense variant. On other transcripts: non-coding transcript variant (2).
Genome position (GRCh38, 1-based): chr5:1,279,439, A>T on the plus strand (T>A on the coding strand, the complement: TERT is on the minus strand). VCF-style: chr5-1279439-A-T. GRCh37 (hg19) VCF-style: chr5-1279554-A-T.
Other names: c.1982T>A, p.Leu661Gln (NM_001193376.3, NM_003219.1); short protein forms L661Q.
Identifiers: ClinVar variation 2454074 (VCV002454074.2), dbSNP rs2478277257, ClinGen allele CA359080798.